The following is an entry in ClinVar:

NM_001077350.3(NPRL3):c.755T>C (p.Leu252Pro)

Genes: HBA-LCR (alpha-globin locus control region; plus strand), NPRL3 (NPR3 like, GATOR1 complex subunit; minus strand). Cytogenetic location: 16p13.3.
Variant type: single nucleotide variant.
Coding change: c.755T>C on transcript NM_001077350.3 (MANE Select); coding-DNA position 755, T replaced by C.
Protein change: p.Leu252Pro; replaces leucine 252 with proline.
Molecular consequence: missense variant.
Genome position (GRCh38, 1-based): chr16:100,384, A>G on the plus strand (T>C on the coding strand, the complement: NPRL3 is on the minus strand). VCF-style: chr16-100384-A-G. GRCh37 (hg19) VCF-style: chr16-150382-A-G.
Other names: c.218T>C, p.Leu73Pro (NM_001039476.3); c.521T>C, p.Leu174Pro (NM_001243247.2); c.680T>C, p.Leu227Pro (NM_001243248.2, NM_001243249.2); short protein forms L174P, L227P, L252P, L73P.
Identifiers: ClinVar variation 657645 (VCV000657645.10), dbSNP rs747035776, ClinGen allele CA7769565.

ClinVar aggregate classification (germline): Conflicting classifications of pathogenicity. Review status: criteria provided, conflicting classifications (1 of 4 stars). 3 submissions from 3 submitters: Uncertain significance (2); Likely benign (1). Last evaluated 2025-07-13.

Conditions:
Epilepsy, familial focal, with variable foci 3 (FFEVF3). Identifiers: MedGen C4310708, MONDO:0014925, OMIM 617118.
Inborn genetic diseases. Identifiers: MedGen C0950123, MeSH D030342.

Allele frequency attached by ClinVar (database versions not stated): gnomAD 0.00002; TOPMed 0.00002; gnomAD exomes 0.00004 and 0.00005; ExAC 0.00007.
gnomAD v4.1: 59 of 1,549,834 alleles (0.0038%); highest among the groups gnomAD compares: Non-Finnish European, 0.005%; no homozygotes.

Submissions (3):

Labcorp Genetics (formerly Invitae), Labcorp
Classification: Uncertain significance for Epilepsy, familial focal, with variable foci 3. Last evaluated: 2025-07-13. Review status: criteria provided, single submitter. Criteria: Invitae Variant Classification Sherloc (09022015). Collection method: clinical testing. Allele origin: germline.
Comment: This sequence change replaces leucine, which is neutral and non-polar, with proline, which is neutral and non-polar, at codon 252 of the NPRL3 protein (p.Leu252Pro). The frequency data for this variant in the population databases is considered unreliable, as metrics indicate poor data quality at this position in the gnomAD database. This variant has not been reported in the literature in individuals affected with NPRL3-related conditions. ClinVar contains an entry for this variant (Variation ID: 657645). Invitae Evidence Modeling of protein sequence and biophysical properties (such as structural, functional, and spatial information, amino acid conservation, physicochemical variation, residue mobility, and thermodynamic stability) indicates that this missense variant is expected to disrupt NPRL3 protein function with a positive predictive value of 80%. In summary, the available evidence is currently insufficient to determine the role of this variant in disease. Therefore, it has been classified as a Variant of Uncertain Significance.

Ambry Genetics
Classification: Likely benign for Inborn genetic diseases. Last evaluated: 2022-11-16. Review status: criteria provided, single submitter. Criteria: Ambry Variant Classification Scheme 2023. Collection method: clinical testing. Allele origin: germline.

Blueprint Genetics
Classification: Uncertain significance. Last evaluated: 2020-04-07. Review status: criteria provided, single submitter. Criteria: ACMG Guidelines, 2015. Collection method: clinical testing. Allele origin: germline.